The following is an entry in ClinVar:

NM_001040142.2(SCN2A):c.395A>G (p.Asn132Ser)

Gene: SCN2A (sodium voltage-gated channel alpha subunit 2; plus strand). Cytogenetic location: 2q24.3.
Variant type: single nucleotide variant.
Coding change: c.395A>G on transcript NM_001040142.2 (MANE Select); coding-DNA position 395, A replaced by G.
Protein change: p.Asn132Ser; replaces asparagine 132 with serine.
Molecular consequence: missense variant.
Genome position (GRCh38, 1-based): chr2:165,307,856, A>G. VCF-style: chr2-165307856-A-G. GRCh37 (hg19) VCF-style: chr2-166164366-A-G.
Other names: c.395A>G, p.Asn132Ser (NM_001040143.2, NM_001371246.1, NM_001371247.1 and 1 more transcripts); short protein forms N132S.
Identifiers: ClinVar variation 1044266 (VCV001044266.9), dbSNP rs1309536386, ClinGen allele CA349014845.
Genomic context (GRCh38, chr2:165,307,856, plus strand): 5'-CATAAAAGTAAGATTTTTCCATTGAACTTTGTCTTCCTTGACGATATTCTACTTTATTCA[A>G]TATGCTCATTATGTGCACGATTCTTACCAACTGTGTATTTATGACCATGAGTAACCCTCC-3'
Protein context (NP_001035232.1, residues 122-142): AIKILVHSLF[Asn132Ser]MLIMCTILTN

ClinVar aggregate classification (germline): Uncertain significance (1 of 4 stars; one submission).

Conditions:
Seizures, benign familial infantile, 3 (BFIS3). Also called: CONVULSIONS, BENIGN FAMILIAL INFANTILE, 3; Familial neonatal seizures. Identifiers: Orphanet 140927, Orphanet 306, MedGen C1843140, MONDO:0011904, OMIM 607745.
Developmental and epileptic encephalopathy, 11 (DEE11). Also called: Early infantile epileptic encephalopathy 11. Identifiers: Orphanet 1934, MedGen C3150987, MONDO:0013388, OMIM 613721.

Allele frequency attached by ClinVar (database versions not stated): gnomAD exomes below 0.00001; TOPMed below 0.00001.
gnomAD v4.1: 3 of 1,608,116 alleles (0.00019%); highest among the groups gnomAD compares: South Asian, 0.0011%; no homozygotes.

Submission:

Labcorp Genetics (formerly Invitae), Labcorp
Classification: Uncertain significance for Seizures, benign familial infantile, 3; Developmental and epileptic encephalopathy, 11. Last evaluated: 2020-05-21. Review status: criteria provided, single submitter. Criteria: Invitae Variant Classification Sherloc (09022015). Collection method: clinical testing. Allele origin: germline.
Comment: This variant has not been reported in the literature in individuals with SCN2A-related conditions. This variant is not present in population databases (ExAC no frequency). This sequence change replaces asparagine with serine at codon 132 of the SCN2A protein (p.Asn132Ser). The asparagine residue is moderately conserved and there is a small physicochemical difference between asparagine and serine. Algorithms developed to predict the effect of missense changes on protein structure and function output the following: SIFT: "Tolerated"; PolyPhen-2: "Benign"; Align-GVGD: "Class C0". The serine amino acid residue is found in multiple mammalian species, suggesting that this missense change does not adversely affect protein function. These predictions have not been confirmed by published functional studies and their clinical significance is uncertain. In summary, the available evidence is currently insufficient to determine the role of this variant in disease. Therefore, it has been classified as a Variant of Uncertain Significance. Algorithms developed to predict the effect of sequence changes on RNA splicing suggest that this variant may create or strengthen a splice site, but this prediction has not been confirmed by published transcriptional studies.